The following is an entry in ClinVar:

ClinVar aggregate classification (germline): Pathogenic (1 of 4 stars; one submission).

Conditions:
Nemaline myopathy 2 (NEM2). Also called: Nemaline myopathy 2, autosomal recessive. Identifiers: MedGen C1850569, MONDO:0009725, OMIM 256030.

Submission:

Labcorp Genetics (formerly Invitae), Labcorp
Classification: Pathogenic for Nemaline myopathy 2. Last evaluated: 2024-03-16. Review status: criteria provided, single submitter. Criteria: Invitae Variant Classification Sherloc (09022015). Collection method: clinical testing. Allele origin: germline.
Comment: This sequence change creates a premature translational stop signal (p.His8190Glnfs*8) in the NEB gene. It is expected to result in an absent or disrupted protein product. Loss-of-function variants in NEB are known to be pathogenic (PMID: 25205138). This variant is not present in population databases (gnomAD no frequency). This variant has not been reported in the literature in individuals affected with NEB-related conditions. ClinVar contains an entry for this variant (Variation ID: 1074359). Algorithms developed to predict the effect of sequence changes on RNA splicing suggest that this variant may disrupt the consensus splice site. For these reasons, this variant has been classified as Pathogenic.

Literature cited by the submitters: PubMed 25205138.

NM_001164508.2(NEB):c.24461_24464dup (p.His8155fs)

Genes: NEB (nebulin; minus strand), RIF1 (replication timing regulatory factor 1; plus strand). Cytogenetic location: 2q23.3.
Variant type: Duplication.
Coding change: c.24461_24464dup on transcript NM_001164508.2 (MANE Select); coding-DNA positions 24461 to 24464, 4 bases duplicated (AACA; older notation c.24461_24464dupAACA).
Protein change: p.His8155fs; shifts the reading frame from histidine 8155.
Molecular consequence: frameshift variant.
Genome position (GRCh38, 1-based): chr2:151,496,298-151,496,301, TGTT duplicated on the plus strand (AACA on the coding strand, the reverse complement: NEB is on the minus strand); duplicating any 4 consecutive bases within chr2:151,496,298-151,496,303 gives the same sequence; the c. name uses the placement nearest the transcript's 3' end. VCF-style (leftmost placement, unchanged base first): chr2-151496297-G-GTGTT. GRCh37 (hg19) VCF-style: chr2-152352811-G-GTGTT.
Other names: c.24461_24464dup, p.His8155fs (NM_001164507.2); c.24566_24569dup, p.His8190fs (NM_001271208.2); c.18893_18896dup, p.His6299fs (NM_004543.5); short protein forms H6299fs, H8155fs, H8190fs.
Identifiers: ClinVar variation 1074359 (VCV001074359.7), dbSNP rs2152937269, ClinGen allele CA2499214993.
Genomic context (GRCh38, chr2:151,496,297, plus strand): 5'-AAAATCAGTAAGTAGTTTTTTTCTTTTCTCGCCAAGTACCGAGCTAATATTTTCTTGATT[G>GTGTT]TGTTTGACTCGCTCCATCTCGGGAGTGACAGCTAAAGGAGTTCCCTTGCCCATGTTTTCT-3'